The following is an entry in ClinVar:

ClinVar aggregate classification (germline): Uncertain significance (1 of 4 stars; one submission).

Conditions:
Charcot-Marie-Tooth disease type 2. Also called: Charcot-Marie-Tooth type 2. Identifiers: Orphanet 64746, MedGen C0270914, MONDO:0018993.

Submission:

Labcorp Genetics (formerly Invitae), Labcorp
Classification: Uncertain significance for Charcot-Marie-Tooth disease type 2. Last evaluated: 2024-03-21. Review status: criteria provided, single submitter. Criteria: Invitae Variant Classification Sherloc (09022015). Collection method: clinical testing. Allele origin: germline.
Comment: This sequence change replaces histidine, which is basic and polar, with proline, which is neutral and non-polar, at codon 94 of the AARS protein (p.His94Pro). This variant is not present in population databases (gnomAD no frequency). This variant has not been reported in the literature in individuals affected with AARS-related conditions. Advanced modeling of protein sequence and biophysical properties (such as structural, functional, and spatial information, amino acid conservation, physicochemical variation, residue mobility, and thermodynamic stability) performed at Invitae indicates that this missense variant is expected to disrupt AARS protein function with a positive predictive value of 95%. In summary, the available evidence is currently insufficient to determine the role of this variant in disease. Therefore, it has been classified as a Variant of Uncertain Significance.

NM_001605.3(AARS1):c.281A>C (p.His94Pro)

Gene: AARS1 (alanyl-tRNA synthetase 1; minus strand). Cytogenetic location: 16q22.1.
Variant type: single nucleotide variant.
Coding change: c.281A>C on transcript NM_001605.3 (MANE Select); coding-DNA position 281, A replaced by C.
Protein change: p.His94Pro; replaces histidine 94 with proline.
Molecular consequence: missense variant.
Genome position (GRCh38, 1-based): chr16:70,277,018, T>G on the plus strand (A>C on the coding strand, the complement: AARS1 is on the minus strand). VCF-style: chr16-70277018-T-G. GRCh37 (hg19) VCF-style: chr16-70310921-T-G.
Other names: short protein forms H94P.
Identifiers: ClinVar variation 3647142 (VCV003647142.2).